The following is an entry in ClinVar:

NM_152490.5(B3GALNT2):c.1423C>T (p.Gln475Ter)

Genes: B3GALNT2 (beta-1,3-N-acetylgalactosaminyltransferase 2; minus strand), TBCE (tubulin folding cofactor E; plus strand). Cytogenetic location: 1q42.3.
Variant type: single nucleotide variant.
Coding change: c.1423C>T on transcript NM_152490.5 (MANE Select); coding-DNA position 1423, C replaced by T.
Protein change: p.Gln475Ter; replaces glutamine 475 with a stop codon.
Molecular consequence: nonsense. On other transcripts: 3 prime UTR variant (4).
Genome position (GRCh38, 1-based): chr1:235,450,286, G>A on the plus strand (C>T on the coding strand, the complement: B3GALNT2 is on the minus strand). VCF-style: chr1-235450286-G-A. GRCh37 (hg19) VCF-style: chr1-235613601-G-A.
Other names: B3GALNT2, GLN475TER; c.*1524G>A (NM_001287802.2, NM_003193.5, NM_001079515.3 and 1 more transcripts); short protein forms Q475*.
Identifiers: ClinVar variation 41939 (VCV000041939.8), dbSNP rs367543077, ClinGen allele CA130931.
Genomic context (GRCh38, chr1:235,450,286, plus strand): 5'-AAGGATCACCGCACCGTTCCTTCAGTTTCCACAGTTCCGTCAGTTCCCACGGAGAATACT[G>A]AGGAGAAGACAGCATTCCTGTCTCACAGGTCTTCTCACACAGCCACAGACTGTCCTGTTG-3'

ClinVar aggregate classification (germline): Conflicting classifications of pathogenicity. Review status: criteria provided, conflicting classifications (1 of 4 stars). 4 submissions from 4 submitters: Likely pathogenic (1); Uncertain significance (1). 2 of the submissions do not count toward it. Last evaluated 2023-09-22.

Conditions:
Muscular dystrophy-dystroglycanopathy (congenital with brain and eye anomalies), type a, 11 (MDDGA11). Also called: Muscular dystrophy-dystroglycanopathy (congenital with brain and eye anomalies, type A, 11; WALKER-WARBURG SYNDROME OR MUSCLE-EYE-BRAIN DISEASE, B3GALNT2-RELATED; Congenital muscular dystrophy-dystroglycanopathy with brain and eye anomalies, type A11. Identifiers: Orphanet 588, Orphanet 899, MedGen C3554638, MONDO:0014071, OMIM 615181.

Allele frequency attached by ClinVar (database versions not stated): gnomAD exomes below 0.00001; TOPMed 0.00001.
gnomAD v4.1: 1 of 1,613,876 alleles (0.000062%); highest among the groups gnomAD compares: Non-Finnish European, 0.000085%; no homozygotes.

Submissions (4):

GeneDx
Classification: Likely pathogenic. Last evaluated: 2023-09-22. Review status: criteria provided, single submitter. Criteria: GeneDx Variant Classification Process June 2021. Collection method: clinical testing. Allele origin: germline. Affected: yes.
Comment: Nonsense variant predicted to result in protein truncation, as the last 26 amino acids are lost, and other loss-of-function variants have been reported downstream in HGMD; Not observed at significant frequency in large population cohorts (gnomAD); This variant is associated with the following publications: (PMID: 35456500, 35127920, 23453667)

Labcorp Genetics (formerly Invitae), Labcorp
Classification: Uncertain significance for Muscular dystrophy-dystroglycanopathy (congenital with brain and eye anomalies), type a, 11. Last evaluated: 2022-03-04. Review status: criteria provided, single submitter. Criteria: Invitae Variant Classification Sherloc (09022015). Collection method: clinical testing. Allele origin: germline.
Comment: This sequence change creates a premature translational stop signal (p.Gln475*) in the B3GALNT2 gene. While this is not anticipated to result in nonsense mediated decay, it is expected to disrupt the last 26 amino acid(s) of the B3GALNT2 protein. This variant is not present in population databases (gnomAD no frequency). This premature translational stop signal has been observed in individual(s) with B3GALNT2-related conditions (PMID: 23453667). ClinVar contains an entry for this variant (Variation ID: 41939). In summary, the available evidence is currently insufficient to determine the role of this variant in disease. Therefore, it has been classified as a Variant of Uncertain Significance. Experimental studies and prediction algorithms are not available or were not evaluated, and the functional significance of this variant is currently unknown.

OMIM
Classification: Pathogenic for MUSCULAR DYSTROPHY-DYSTROGLYCANOPATHY (CONGENITAL WITH BRAIN AND EYE ANOMALIES), TYPE A, 11. Last evaluated: 2013-03-07. Review status: no assertion criteria provided. Collection method: literature only. Allele origin: germline. Not counted in ClinVar's aggregate classification.

Leiden Muscular Dystrophy pages (B3GALNT2)
No classification provided. Review status: no classification provided. Collection method: not provided. Allele origin: unknown. Not counted in ClinVar's aggregate classification.
Comment: has functional consequence

Literature cited by the submitters: PubMed 23453667 (cited by Labcorp Genetics (formerly Invitae), Labcorp and OMIM).